The following is an entry in ClinVar:

NM_000492.4(CFTR):c.3950A>C (p.Lys1317Thr)

Gene: CFTR (CF transmembrane conductance regulator; plus strand). Cytogenetic location: 7q31.2.
Variant type: single nucleotide variant.
Coding change: c.3950A>C on transcript NM_000492.4 (MANE Select); coding-DNA position 3950, A replaced by C.
Protein change: p.Lys1317Thr; replaces lysine 1317 with threonine.
Molecular consequence: missense variant.
Genome position (GRCh38, 1-based): chr7:117,652,918, A>C. VCF-style: chr7-117652918-A-C. GRCh37 (hg19) VCF-style: chr7-117292972-A-C.
Other names: short protein forms K1317T.
Identifiers: ClinVar variation 4825410 (VCV004825410.1).

ClinVar aggregate classification (germline): Uncertain significance (1 of 4 stars; one submission).

Conditions:
Cystic fibrosis (CF). Also called: MUCOVISCIDOSIS. Identifiers: Orphanet 586, MedGen C0010674, MONDO:0009061, OMIM 219700. Disease mechanism: loss of function.

Submission:

Ambry Genetics
Classification: Uncertain significance for Cystic fibrosis. Last evaluated: 2026-01-22. Review status: criteria provided, single submitter. Criteria: Ambry Variant Classification Scheme 2023. Collection method: clinical testing. Allele origin: germline.
Comment: The p.K1317T variant (also known as c.3950A>C), located in coding exon 24 of the CFTR gene, results from an A to C substitution at nucleotide position 3950. The lysine at codon 1317 is replaced by threonine, an amino acid with similar properties. This amino acid position is conserved. In addition, the in silico prediction for this alteration is inconclusive. Based on the available evidence, the clinical significance of this variant remains unclear.